The following is an entry in ClinVar:

NM_022168.4(IFIH1):c.1583T>G (p.Leu528Arg)

Gene: IFIH1 (interferon induced with helicase C domain 1; minus strand). Cytogenetic location: 2q24.2.
Variant type: single nucleotide variant.
Coding change: c.1583T>G on transcript NM_022168.4 (MANE Select); coding-DNA position 1583, T replaced by G.
Protein change: p.Leu528Arg; replaces leucine 528 with arginine.
Molecular consequence: missense variant.
Genome position (GRCh38, 1-based): chr2:162,280,054, A>C on the plus strand (T>G on the coding strand, the complement: IFIH1 is on the minus strand). VCF-style: chr2-162280054-A-C. GRCh37 (hg19) VCF-style: chr2-163136564-A-C.
Other names: p.Leu528Arg; c.1583T>G, p.Leu528Arg (LRG_1235t1); short protein forms L528R.
Identifiers: ClinVar variation 541780 (VCV000541780.41), dbSNP rs142348767, ClinGen allele CA1934480.

ClinVar aggregate classification (germline): Conflicting classifications of pathogenicity. Review status: criteria provided, conflicting classifications (1 of 4 stars). 8 submissions from 8 submitters: Uncertain significance (4); Likely benign (2). 2 of the submissions do not count toward it. Last evaluated 2026-06-01.

Conditions:
IFIH1-related disorder. Also called: IFIH1-related condition.
Singleton-Merten syndrome 1 (SGMRT1). Also called: Widened medullary cavities of bone, aortic calcification, abnormal dentition, and muscular weakness; Syndrome of widened medullary cavities of the metacarpals and phalanges, aortic calcification and abnormal dentition. Identifiers: Orphanet 85191, MedGen C4225427, MONDO:0024535, OMIM 182250.
Aicardi-Goutieres syndrome 7 (AGS7). Identifiers: Orphanet 51, MedGen C3888244, MONDO:0014367, OMIM 615846.

Allele frequency attached by ClinVar (database versions not stated): gnomAD 0.00047 and 0.00049; TOPMed 0.00053; ESP Exome Variant Server 0.00100.

Submissions (8):

CeGaT Center for Human Genetics Tuebingen
Classification: Uncertain significance. Last evaluated: 2026-06-01. Review status: criteria provided, single submitter. Criteria: CeGaT Center For Human Genetics Tuebingen Variant Classification Criteria Version 2. Collection method: clinical testing. Allele origin: germline. Affected: yes. Observed: 3 variant alleles.

PreventionGenetics, part of Exact Sciences
Classification: Uncertain significance for IFIH1-related condition. Last evaluated: 2026-05-28. Review status: criteria provided, single submitter. Criteria: ACMG Guidelines, 2015. Collection method: clinical testing. Allele origin: germline.
Comment: The IFIH1 c.1583T>G variant is predicted to result in the amino acid substitution p.Leu528Arg. This variant has been reported in a study of individuals with hereditary spastic paraplegia (D'Amore et al. 2018. PubMed ID: 30564185). This variant is reported in 0.089% of alleles in individuals of European (Non-Finnish) descent in gnomAD, which may be too common to be causative. Although we suspect that this variant may be benign, at this time, the clinical significance of this variant is uncertain due to the absence of conclusive functional and genetic evidence.

Women's Health and Genetics/Laboratory Corporation of America, LabCorp
Classification: Uncertain significance. Last evaluated: 2026-02-13. Review status: criteria provided, single submitter. Criteria: LabCorp Variant Classification Summary - May 2015. Collection method: clinical testing. Allele origin: germline.
Comment: Variant summary: IFIH1 c.1583T>G (p.Leu528Arg) results in a non-conservative amino acid change located in the DEAD-like helicases domain of the encoded protein sequence. Algorithms developed to predict the effect of missense changes on protein structure and function are either unavailable or do not agree on the potential impact of this missense change. The variant allele was found at a frequency of 0.00044 in 250364 control chromosomes. This frequency is not significantly higher than estimated for disease-causing variants in IFIH1, allowing no conclusion about variant significance. c.1583T>G has been observed in one heterozygous individual affected with Spastic paraplegia (DAmore_2018). These report(s) do not provide unequivocal conclusions about association of the variant with Immunodeficiency 95. To our knowledge, no experimental evidence demonstrating an impact on protein function has been reported. The following publication have been ascertained in the context of this evaluation (PMID: 30564185). ClinVar contains an entry for this variant (Variation ID: 541780). Based on the evidence outlined above, the variant was classified as uncertain significance.

Labcorp Genetics (formerly Invitae), Labcorp
Classification: Likely benign for Aicardi-Goutieres syndrome 7; Singleton-Merten syndrome 1. Last evaluated: 2026-01-28. Review status: criteria provided, single submitter. Criteria: Invitae Variant Classification Sherloc (09022015). Collection method: clinical testing. Allele origin: germline.

Mayo Clinic Laboratories, Mayo Clinic
Classification: Uncertain significance. Last evaluated: 2025-05-11. Review status: criteria provided, single submitter. Criteria: ACMG Guidelines, 2015. Collection method: clinical testing. Allele origin: germline. Observed: 3 variant alleles.

Blueprint Genetics
Classification: Likely benign. Last evaluated: 2024-10-31. Review status: criteria provided, single submitter. Criteria: ACMG Guidelines, 2015. Collection method: clinical testing. Allele origin: germline.

Clinical Genetics DNA and cytogenetics Diagnostics Lab, Erasmus MC, Erasmus Medical Center
Classification: Likely benign. Review status: no assertion criteria provided. Collection method: clinical testing. Allele origin: germline. Affected: yes. Study: VKGL Data-share Consensus. Not counted in ClinVar's aggregate classification.

Diagnostic Laboratory, Department of Genetics, University Medical Center Groningen
Classification: Likely benign. Review status: no assertion criteria provided. Collection method: clinical testing. Allele origin: germline. Affected: yes. Study: VKGL Data-share Consensus. Not counted in ClinVar's aggregate classification.

Literature cited by the submitters: PubMed 30564185 (cited by Women's Health and Genetics/Laboratory Corporation of America, LabCorp and Mayo Clinic Laboratories, Mayo Clinic).